The following is an entry in ClinVar:

ClinVar aggregate classification (germline): Uncertain significance. Review status: criteria provided, multiple submitters, no conflicts (2 of 4 stars). 3 submissions from 3 submitters: Uncertain significance (3). Last evaluated 2023-12-05.

Conditions:
Hereditary cancer-predisposing syndrome. Also called: Tumor predisposition; Neoplastic Syndromes, Hereditary; Hereditary Cancer Syndrome; Hereditary neoplastic syndrome. Identifiers: Orphanet 140162, MedGen C0027672, MeSH D009386, MONDO:0015356.

Allele frequency attached by ClinVar (database versions not stated): gnomAD exomes below 0.00001 and 0.00001; ExAC 0.00001; gnomAD 0.00001.
gnomAD v4.1: 3 of 1,614,142 alleles (0.00019%); highest among the groups gnomAD compares: Non-Finnish European, 0.00017%; no homozygotes.

Submissions (3):

Color Diagnostics, LLC DBA Color Health
Classification: Uncertain significance for Hereditary cancer-predisposing syndrome. Last evaluated: 2023-12-05. Review status: criteria provided, single submitter. Criteria: ACMG Guidelines, 2015. Collection method: clinical testing. Allele origin: germline.
Comment: This missense variant replaces aspartic acid with glutamic acid at codon 722 of the PALB2 protein. Computational prediction suggests that this variant may not impact protein structure and function (internally defined REVEL score threshold <= 0.5, PMID: 27666373). To our knowledge, functional studies have not been reported for this variant. This variant has not been reported in individuals affected with PALB2-related disorders in the literature. This variant has been identified in 3/282850 chromosomes in the general population by the Genome Aggregation Database (gnomAD). The available evidence is insufficient to determine the role of this variant in disease conclusively. Therefore, this variant is classified as a Variant of Uncertain Significance.

Blueprint Genetics
Classification: Uncertain significance. Last evaluated: 2022-06-15. Review status: criteria provided, single submitter. Criteria: ACMG Guidelines, 2015. Collection method: clinical testing. Allele origin: germline.

Ambry Genetics
Classification: Uncertain significance for Hereditary cancer-predisposing syndrome. Last evaluated: 2021-12-29. Review status: criteria provided, single submitter. Criteria: Ambry Variant Classification Scheme 2023. Collection method: clinical testing. Allele origin: germline.
Comment: The p.D722E variant (also known as c.2166C>G), located in coding exon 5 of the PALB2 gene, results from a C to G substitution at nucleotide position 2166. The aspartic acid at codon 722 is replaced by glutamic acid, an amino acid with highly similar properties. This amino acid position is conserved. In addition, this alteration is predicted to be tolerated by in silico analysis. Since supporting evidence is limited at this time, the clinical significance of this alteration remains unclear.

NM_024675.4(PALB2):c.2166C>G (p.Asp722Glu)

Gene: PALB2 (partner and localizer of BRCA2; minus strand). Cytogenetic location: 16p12.2.
Variant type: single nucleotide variant.
Coding change: c.2166C>G on transcript NM_024675.4 (MANE Select); coding-DNA position 2166, C replaced by G.
Protein change: p.Asp722Glu; replaces aspartic acid 722 with glutamic acid.
Molecular consequence: missense variant.
Genome position (GRCh38, 1-based): chr16:23,629,988, G>C on the plus strand (C>G on the coding strand, the complement: PALB2 is on the minus strand). VCF-style: chr16-23629988-G-C. GRCh37 (hg19) VCF-style: chr16-23641309-G-C.
Other names: short protein forms D722E.
Identifiers: ClinVar variation 629854 (VCV000629854.7), dbSNP rs768901359, ClinGen allele CA7963615.